The following is an entry in ClinVar:

NM_139318.5(KCNH5):c.2791C>G (p.Leu931Val)

Gene: KCNH5 (potassium voltage-gated channel subfamily H member 5; minus strand). Cytogenetic location: 14q23.2.
Variant type: single nucleotide variant.
Coding change: c.2791C>G on transcript NM_139318.5 (MANE Select); coding-DNA position 2791, C replaced by G.
Protein change: p.Leu931Val; replaces leucine 931 with valine.
Molecular consequence: missense variant. On other transcripts: 3 prime UTR variant (1).
Genome position (GRCh38, 1-based): chr14:62,707,684, G>C on the plus strand (C>G on the coding strand, the complement: KCNH5 is on the minus strand). VCF-style: chr14-62707684-G-C. GRCh37 (hg19) VCF-style: chr14-63174402-G-C.
Other names: c.*758C>G (NM_172375.3); short protein forms L931V.
Identifiers: ClinVar variation 2705881 (VCV002705881.3), dbSNP rs2502652596, ClinGen allele CA390099824.
Genomic context (GRCh38, chr14:62,707,684, plus strand): 5'-AGGCCTGGGGTACGCTTTTTTCCGACAGTATTTTTAAAATTTCTGCCACCTGCTTTTCTA[G>C]GGCAGTCATTCTGCAGCTGAGCAGCTGGATGTCCTCTTTGAGTTCGTGTTTGACTTCCTG-3'
Protein context (NP_647479.2, residues 921-941): IQLLSCRMTA[Leu931Val]EKQVAEILKI

ClinVar aggregate classification (germline): Uncertain significance (1 of 4 stars; one submission).

Conditions:
Early-infantile DEE. Also called: Ohtahara syndrome; Early infantile epileptic encephalopathy with suppression bursts; Early infantile epileptic encephalopathy. Identifiers: Orphanet 1934, MedGen C0393706, MONDO:0800491.

Submission:

Labcorp Genetics (formerly Invitae), Labcorp
Classification: Uncertain significance for Early-infantile DEE. Last evaluated: 2024-02-05. Review status: criteria provided, single submitter. Criteria: Invitae Variant Classification Sherloc (09022015). Collection method: clinical testing. Allele origin: germline.
Comment: This sequence change replaces leucine, which is neutral and non-polar, with valine, which is neutral and non-polar, at codon 931 of the KCNH5 protein (p.Leu931Val). This variant is not present in population databases (gnomAD no frequency). This variant has not been reported in the literature in individuals affected with KCNH5-related conditions. Advanced modeling of protein sequence and biophysical properties (such as structural, functional, and spatial information, amino acid conservation, physicochemical variation, residue mobility, and thermodynamic stability) performed at Invitae indicates that this missense variant is not expected to disrupt KCNH5 protein function with a negative predictive value of 95%. In summary, the available evidence is currently insufficient to determine the role of this variant in disease. Therefore, it has been classified as a Variant of Uncertain Significance.